The following is an entry in ClinVar:

ClinVar aggregate classification (germline): Likely benign (0 of 4 stars; one submission).

Conditions:
PRRC2A-related disorder. Also called: PRRC2A-related condition.

Allele frequency attached by ClinVar (database versions not stated): TOPMed 0.00034; 1000 Genomes Project 0.00040; gnomAD 0.00042; 1000 Genomes Project 30x 0.00047; ESP Exome Variant Server 0.00062.
gnomAD v4.1: 1,142 of 1,614,138 alleles (0.071%); highest among the groups gnomAD compares: Non-Finnish European, 0.093%; 2 homozygotes.

Submission:

PreventionGenetics, part of Exact Sciences
Classification: Likely benign for PRRC2A-related condition. Last evaluated: 2019-10-08. Review status: no assertion criteria provided. Collection method: clinical testing. Allele origin: germline.
Comment: This variant is classified as likely benign based on ACMG/AMP sequence variant interpretation guidelines (Richards et al. 2015 PMID: 25741868, with internal and published modifications).

NM_004638.4(PRRC2A):c.2442G>A (p.Ala814=)

Gene: PRRC2A (proline rich coiled-coil 2A; plus strand). Cytogenetic location: 6p21.33.
Variant type: single nucleotide variant.
Coding change: c.2442G>A on transcript NM_004638.4 (MANE Select); coding-DNA position 2442, G replaced by A.
Protein change: p.Ala814=; no amino-acid change (alanine 814 retained).
Molecular consequence: synonymous variant.
Genome position (GRCh38, 1-based): chr6:31,630,778, G>A. VCF-style: chr6-31630778-G-A. GRCh37 (hg19) VCF-style: chr6-31598555-G-A.
Other names: c.2442G>A, p.Ala814= (NM_080686.3).
Identifiers: ClinVar variation 3045180 (VCV003045180.2), dbSNP rs78226731, ClinGen allele CA3715674.